The following is an entry in ClinVar:

ClinVar aggregate classification (germline): Conflicting classifications of pathogenicity. Review status: criteria provided, conflicting classifications (1 of 4 stars). 2 submissions from 2 submitters: Uncertain significance (1); Likely benign (1). Last evaluated 2026-02-04.

Conditions:
Hereditary cancer-predisposing syndrome. Also called: Hereditary Cancer Syndrome; Tumor predisposition; Neoplastic Syndromes, Hereditary; Hereditary neoplastic syndrome. Identifiers: Orphanet 140162, MedGen C0027672, MeSH D009386, MONDO:0015356.

Allele frequency attached by ClinVar (database versions not stated): gnomAD exomes below 0.00001; ExAC 0.00001.

Submissions (2):

Ambry Genetics
Classification: Likely benign for Hereditary cancer-predisposing syndrome. Last evaluated: 2026-02-04. Review status: criteria provided, single submitter. Criteria: Ambry Variant Classification Scheme 2023. Collection method: clinical testing. Allele origin: germline.

Labcorp Genetics (formerly Invitae), Labcorp
Classification: Uncertain significance. Last evaluated: 2024-08-06. Review status: criteria provided, single submitter. Criteria: Invitae Variant Classification Sherloc (09022015). Collection method: clinical testing. Allele origin: germline.
Comment: This sequence change replaces methionine, which is neutral and non-polar, with valine, which is neutral and non-polar, at codon 645 of the POLE protein (p.Met645Val). This variant is present in population databases (rs755658648, gnomAD 0.006%). This variant has not been reported in the literature in individuals affected with POLE-related conditions. ClinVar contains an entry for this variant (Variation ID: 844590). Advanced modeling of protein sequence and biophysical properties (such as structural, functional, and spatial information, amino acid conservation, physicochemical variation, residue mobility, and thermodynamic stability) performed at Invitae indicates that this missense variant is not expected to disrupt POLE protein function with a negative predictive value of 80%. In summary, the available evidence is currently insufficient to determine the role of this variant in disease. Therefore, it has been classified as a Variant of Uncertain Significance.

NM_006231.4(POLE):c.1933A>G (p.Met645Val)

Gene: POLE (DNA polymerase epsilon, catalytic subunit; minus strand). Cytogenetic location: 12q24.33.
Variant type: single nucleotide variant.
Coding change: c.1933A>G on transcript NM_006231.4 (MANE Select); coding-DNA position 1933, A replaced by G.
Protein change: p.Met645Val; replaces methionine 645 with valine.
Molecular consequence: missense variant.
Genome position (GRCh38, 1-based): chr12:132,668,728, T>C on the plus strand (A>G on the coding strand, the complement: POLE is on the minus strand). VCF-style: chr12-132668728-T-C. GRCh37 (hg19) VCF-style: chr12-133245314-T-C.
Other names: c.1933A>G (NM_006231.2); short protein forms M645V.
Identifiers: ClinVar variation 844590 (VCV000844590.8), dbSNP rs755658648, ClinGen allele CA6893752.